The following is an entry in ClinVar:

NM_001165963.4(SCN1A):c.4224G>A (p.Trp1408Ter)

Genes: SCN1A (sodium voltage-gated channel alpha subunit 1; minus strand), LOC102724058 (uncharacterized LOC102724058; plus strand). Cytogenetic location: 2q24.3.
Variant type: single nucleotide variant.
Coding change: c.4224G>A on transcript NM_001165963.4 (MANE Select); coding-DNA position 4224, G replaced by A.
Protein change: p.Trp1408Ter; replaces tryptophan 1408 with a stop codon.
Molecular consequence: nonsense. On other transcripts: non-coding transcript variant (1).
Genome position (GRCh38, 1-based): chr2:166,002,532, C>T on the plus strand (G>A on the coding strand, the complement: SCN1A is on the minus strand). VCF-style: chr2-166002532-C-T. GRCh37 (hg19) VCF-style: chr2-166859042-C-T.
Other names: c.4140G>A, p.Trp1380Ter (NM_001165964.3, NM_001353957.2, NM_001353958.2); c.4224G>A, p.Trp1408Ter (NM_001202435.3, NM_001353948.2); c.4191G>A, p.Trp1397Ter (NM_001353949.2, NM_001353950.2, NM_001353951.2 and 2 more transcripts); c.4188G>A, p.Trp1396Ter (NM_001353954.2, NM_001353955.2); c.4137G>A, p.Trp1379Ter (NM_001353960.2); c.1782G>A, p.Trp594Ter (NM_001353961.2); short protein forms W1397*, W1408*, W1380*, W1379*, W1396*, W594*.
Identifiers: ClinVar variation 195576 (VCV000195576.15), dbSNP rs794727337, ClinGen allele CA302832.

ClinVar aggregate classification (germline): Pathogenic. Review status: criteria provided, multiple submitters, no conflicts (2 of 4 stars). 2 submissions from 2 submitters: Pathogenic (2). Last evaluated 2020-11-23.

Conditions:
Early-infantile DEE. Also called: Early infantile epileptic encephalopathy; Early infantile epileptic encephalopathy with suppression bursts; Ohtahara syndrome. Identifiers: Orphanet 1934, MedGen C0393706, MONDO:0800491.

Submissions (2):

Labcorp Genetics (formerly Invitae), Labcorp
Classification: Pathogenic for Early-infantile DEE. Last evaluated: 2020-11-23. Review status: criteria provided, single submitter. Criteria: Invitae Variant Classification Sherloc (09022015). Collection method: clinical testing. Allele origin: germline.
Comment: This nonsense change has been observed in individuals affected with Dravet syndrome (PMID: 26096185, 12566275). ClinVar contains an entry for this variant (Variation ID: 195576). This variant is not present in population databases (ExAC no frequency). This sequence change creates a premature translational stop signal (p.Trp1408*) in the SCN1A gene. It is expected to result in an absent or disrupted protein product. Loss-of-function variants in SCN1A are known to be pathogenic (PMID: 17347258, 18930999). For these reasons, this variant has been classified as Pathogenic.

Eurofins Ntd Llc (ga)
Classification: Pathogenic. Last evaluated: 2015-03-09. Review status: criteria provided, single submitter. Criteria: EGL Classification Definitions 2015. Collection method: clinical testing. Allele origin: germline. Observed: 1 variant allele, 1 heterozygote.

Literature cited by the submitters: PubMed 26096185 (cited by Labcorp Genetics (formerly Invitae), Labcorp); PubMed 12566275 (cited by Labcorp Genetics (formerly Invitae), Labcorp); PubMed 17347258 (cited by Labcorp Genetics (formerly Invitae), Labcorp); PubMed 18930999 (cited by Labcorp Genetics (formerly Invitae), Labcorp).